The following is an entry in ClinVar:

NM_004517.4(ILK):c.468C>A (p.Gly156=)

Genes: TAF10 (TATA-box binding protein associated factor 10; minus strand), ILK (integrin linked kinase; plus strand). Cytogenetic location: 11p15.4.
Variant type: single nucleotide variant.
Coding change: c.468C>A on transcript NM_004517.4 (MANE Select); coding-DNA position 468, C replaced by A.
Protein change: p.Gly156=; no amino-acid change (glycine 156 retained).
Molecular consequence: synonymous variant. On other transcripts: missense variant (1), 3 prime UTR variant (1).
Genome position (GRCh38, 1-based): chr11:6,608,903, C>A. VCF-style: chr11-6608903-C-A. GRCh37 (hg19) VCF-style: chr11-6630134-C-A.
Other names: c.371C>A (NM_001278441.1); c.468C>A, p.Gly156= (NM_001014794.3, NM_001014795.3); c.371C>A, p.Ala124Asp (NM_001278441.2); c.66C>A, p.Gly22= (NM_001278442.2); c.*2019G>T (NM_006284.4); short protein forms A124D.
Identifiers: ClinVar variation 532035 (VCV000532035.15), dbSNP rs775797550, ClinGen allele CA5858064.

ClinVar aggregate classification (germline): Conflicting classifications of pathogenicity. Review status: criteria provided, conflicting classifications (1 of 4 stars). 3 submissions from 3 submitters: Uncertain significance (1); Likely benign (2). Last evaluated 2025-07-28.

Conditions:
ILK-related disorder. Also called: ILK-related condition.
Primary familial hypertrophic cardiomyopathy (HCM). Identifiers: Orphanet 99739, MedGen C0949658, MeSH D024741, MONDO:0024573. Inheritance: Various modes of inheritance.

Allele frequency attached by ClinVar (database versions not stated): TOPMed 0.00001; gnomAD exomes below 0.00001; ExAC 0.00001; gnomAD 0.00001.
gnomAD v4.1: 4 of 1,614,064 alleles (0.00025%); highest among the groups gnomAD compares: Admixed American, 0.0067%; no homozygotes.

Submissions (3):

Labcorp Genetics (formerly Invitae), Labcorp
Classification: Likely benign for Primary familial hypertrophic cardiomyopathy. Last evaluated: 2025-07-28. Review status: criteria provided, single submitter. Criteria: Invitae Variant Classification Sherloc (09022015). Collection method: clinical testing. Allele origin: germline.

PreventionGenetics, part of Exact Sciences
Classification: Uncertain significance for ILK-related condition. Last evaluated: 2024-11-13. Review status: criteria provided, single submitter. Criteria: ACMG Guidelines, 2015. Collection method: clinical testing. Allele origin: germline.
Comment: The ILK c.371C>A variant is predicted to result in the amino acid substitution p.Ala124Asp. This variant results in a synonymous change in the primary transcript for this gene (NM_004517:c.468C>A). To our knowledge, this variant has not been reported in the literature. This variant is reported in 0.0029% of alleles in individuals of Latino descent in gnomAD. At this time, the clinical significance of this variant is uncertain due to the absence of conclusive functional and genetic evidence.

Ambry Genetics
Classification: Likely benign. Last evaluated: 2023-03-16. Review status: criteria provided, single submitter. Criteria: Ambry Variant Classification Scheme 2023. Collection method: clinical testing. Allele origin: germline.